The following is an entry in ClinVar:

NM_000163.5(GHR):c.746T>C (p.Val249Ala)

Gene: GHR (growth hormone receptor; plus strand). Cytogenetic location: 5p12.
Variant type: single nucleotide variant.
Coding change: c.746T>C on transcript NM_000163.5 (MANE Select); coding-DNA position 746, T replaced by C.
Protein change: p.Val249Ala; replaces valine 249 with alanine.
Molecular consequence: missense variant.
Genome position (GRCh38, 1-based): chr5:42,711,334, T>C. VCF-style: chr5-42711334-T-C. GRCh37 (hg19) VCF-style: chr5-42711436-T-C.
Other names: c.767T>C, p.Val256Ala (NM_001242399.2); c.746T>C, p.Val249Ala (NM_001242400.2, NM_001242401.4, NM_001242402.2 and 5 more transcripts); c.680T>C, p.Val227Ala (NM_001242460.2); short protein forms V227A, V249A, V256A.
Identifiers: ClinVar variation 2503408 (VCV002503408.1), dbSNP rs2530742581, ClinGen allele CA359696056.

ClinVar aggregate classification (germline): Uncertain significance (1 of 4 stars; one submission).

gnomAD v4.1: 1 of 1,613,138 alleles (0.000062%); highest among the groups gnomAD compares: Admixed American, 0.0017%; no homozygotes.

Submission:

GeneDx
Classification: Uncertain significance. Last evaluated: 2022-11-29. Review status: criteria provided, single submitter. Criteria: GeneDx Variant Classification Process June 2021. Collection method: clinical testing. Allele origin: germline. Affected: yes.
Comment: Not observed at significant frequency in large population cohorts (gnomAD); In silico analysis supports that this missense variant does not alter protein structure/function; Has not been previously published as pathogenic or benign to our knowledge